The following is an entry in ClinVar:

ClinVar aggregate classification (germline): Uncertain significance. Review status: criteria provided, single submitter (1 of 4 stars). 2 submissions from 2 submitters: Uncertain significance (1). 1 of the submissions does not count toward it. Last evaluated 2023-12-11.

Conditions:
MC3R-related disorder. Also called: MC3R-related condition.

Submissions (2):

Labcorp Genetics (formerly Invitae), Labcorp
Classification: Uncertain significance. Last evaluated: 2023-12-11. Review status: criteria provided, single submitter. Criteria: Invitae Variant Classification Sherloc (09022015). Collection method: clinical testing. Allele origin: germline.
Comment: This sequence change replaces valine, which is neutral and non-polar, with methionine, which is neutral and non-polar, at codon 230 of the MC3R protein (p.Val230Met). This variant is present in population databases (no rsID available, gnomAD 0.007%). This variant has not been reported in the literature in individuals affected with MC3R-related conditions. An algorithm developed to predict the effect of missense changes on protein structure and function (PolyPhen-2) suggests that this variant is likely to be tolerated. In summary, the available evidence is currently insufficient to determine the role of this variant in disease. Therefore, it has been classified as a Variant of Uncertain Significance.

PreventionGenetics, part of Exact Sciences
Classification: Uncertain significance for MC3R-related condition. Last evaluated: 2024-05-07. Review status: no assertion criteria provided. Collection method: clinical testing. Allele origin: germline. Not counted in ClinVar's aggregate classification.
Comment: The MC3R c.688G>A variant is predicted to result in the amino acid substitution p.Val230Met. To our knowledge, this variant has not been reported in the literature. This variant is reported in 0.0065% of alleles in individuals of European (Non-Finnish) descent in gnomAD. At this time, the clinical significance of this variant is uncertain due to the absence of conclusive functional and genetic evidence.

NM_019888.3(MC3R):c.688G>A (p.Val230Met)

Gene: MC3R (melanocortin 3 receptor; plus strand). Cytogenetic location: 20q13.2.
Variant type: single nucleotide variant.
Coding change: c.688G>A on transcript NM_019888.3 (MANE Select); coding-DNA position 688, G replaced by A.
Protein change: p.Val230Met; replaces valine 230 with methionine.
Molecular consequence: missense variant.
Genome position (GRCh38, 1-based): chr20:56,249,531, G>A. VCF-style: chr20-56249531-G-A. GRCh37 (hg19) VCF-style: chr20-54824587-G-A.
Other names: short protein forms V230M.
Identifiers: ClinVar variation 2916703 (VCV002916703.4), dbSNP rs756138258, ClinGen allele CA409695517.